The following is an entry in ClinVar:

ClinVar aggregate classification (germline): Likely benign (0 of 4 stars; one submission).

Conditions:
DCPS-related disorder. Also called: DCPS-related condition.

Allele frequency attached by ClinVar (database versions not stated): ExAC 0.00002; gnomAD exomes 0.00004; 1000 Genomes Project 30x 0.00016; gnomAD 0.00016; 1000 Genomes Project 0.00020; TOPMed 0.00045.
gnomAD v4.1: 98 of 1,613,804 alleles (0.0061%); highest among the groups gnomAD compares: Admixed American, 0.05%; 1 homozygote.

Submission:

PreventionGenetics, part of Exact Sciences
Classification: Likely benign for DCPS-related condition. Last evaluated: 2019-02-22. Review status: no assertion criteria provided. Collection method: clinical testing. Allele origin: germline.
Comment: This variant is classified as likely benign based on ACMG/AMP sequence variant interpretation guidelines (Richards et al. 2015 PMID: 25741868, with internal and published modifications).

NM_014026.6(DCPS):c.636+5A>C

Gene: DCPS (decapping enzyme, scavenger; plus strand). Cytogenetic location: 11q24.2.
Variant type: single nucleotide variant.
Coding change: c.636+5A>C on transcript NM_014026.6 (MANE Select); 5 bases into the intron after coding-DNA position 636, A replaced by C.
Molecular consequence: intron variant.
Genome position (GRCh38, 1-based): chr11:126,338,404, A>C. VCF-style: chr11-126338404-A-C. GRCh37 (hg19) VCF-style: chr11-126208299-A-C.
Other names: c.657+5A>C (NM_001350236.2).
Identifiers: ClinVar variation 3053739 (VCV003053739.2), dbSNP rs572466350, ClinGen allele CA6355060.